The following is an entry in ClinVar:

ClinVar aggregate classification (germline): Uncertain significance (1 of 4 stars; one submission).

Conditions:
Cardiovascular phenotype. Identifiers: MedGen CN230736.

Allele frequency attached by ClinVar (database versions not stated): TOPMed below 0.00001.

Submission:

Ambry Genetics
Classification: Uncertain significance for Cardiovascular phenotype. Last evaluated: 2026-09-11. Review status: criteria provided, single submitter. Criteria: Ambry Variant Classification Scheme 2023. Collection method: clinical testing. Allele origin: germline.
Comment: The p.S788N variant (also known as c.2363G>A), located in coding exon 16 of the APOB gene, results from a G to A substitution at nucleotide position 2363. The serine at codon 788 is replaced by asparagine, an amino acid with highly similar properties. This amino acid position is conserved. In addition, this alteration is predicted to be tolerated by in silico analysis. Based on the available evidence, the clinical significance of this variant remains unclear.

NM_000384.3(APOB):c.2363G>A (p.Ser788Asn)

Gene: APOB (apolipoprotein B; minus strand). Cytogenetic location: 2p24.1.
Variant type: single nucleotide variant.
Coding change: c.2363G>A on transcript NM_000384.3 (MANE Select); coding-DNA position 2363, G replaced by A.
Protein change: p.Ser788Asn; replaces serine 788 with asparagine.
Molecular consequence: missense variant.
Genome position (GRCh38, 1-based): chr2:21,025,006, C>T on the plus strand (G>A on the coding strand, the complement: APOB is on the minus strand). VCF-style: chr2-21025006-C-T. GRCh37 (hg19) VCF-style: chr2-21247878-C-T.
Other names: short protein forms S788N.
Identifiers: ClinVar variation 2299363 (VCV002299363.3), dbSNP rs748289359, ClinGen allele CA346011947.